The following is an entry in ClinVar:

NM_177924.5(ASAH1):c.1091_1095del (p.Leu364fs)

Gene: ASAH1 (N-acylsphingosine amidohydrolase 1; minus strand). Cytogenetic location: 8p22.
Variant type: Deletion.
Coding change: c.1091_1095del on transcript NM_177924.5 (MANE Select); coding-DNA positions 1091 to 1095, 5 bases deleted (TCAAC; older notation c.1091_1095delTCAAC).
Protein change: p.Leu364fs; shifts the reading frame from leucine 364.
Molecular consequence: frameshift variant.
Genome position (GRCh38, 1-based): chr8:18,058,838-18,058,842, GTTGA deleted on the plus strand (TCAAC on the coding strand, the reverse complement: ASAH1 is on the minus strand); deleting any 5 consecutive bases within chr8:18,058,838-18,058,843 gives the same sequence; the c. name uses the placement nearest the transcript's 3' end. VCF-style (leftmost placement, unchanged base first): chr8-18058837-TGTTGA-T. GRCh37 (hg19) VCF-style: chr8-17916346-TGTTGA-T.
Other names: c.1073_1077del, p.Leu358fs (NM_001127505.3); c.896_900del, p.Leu299fs (NM_001363743.2); c.1139_1143del, p.Leu380fs (NM_004315.6); short protein forms L358fs, L364fs, L380fs, L299fs.
Identifiers: ClinVar variation 1474509 (VCV001474509.6), dbSNP rs2117015384, ClinGen allele CA2573142598.

ClinVar aggregate classification (germline): Uncertain significance (1 of 4 stars; one submission).

Submission:

Labcorp Genetics (formerly Invitae), Labcorp
Classification: Uncertain significance. Last evaluated: 2024-02-24. Review status: criteria provided, single submitter. Criteria: Invitae Variant Classification Sherloc (09022015). Collection method: clinical testing. Allele origin: germline.
Comment: This sequence change creates a premature translational stop signal (p.Leu364Glnfs*25) in the ASAH1 gene. While this is not anticipated to result in nonsense mediated decay, it is expected to disrupt the last 32 amino acid(s) of the ASAH1 protein. This variant is not present in population databases (gnomAD no frequency). This variant has not been reported in the literature in individuals affected with ASAH1-related conditions. ClinVar contains an entry for this variant (Variation ID: 1474509). This variant disrupts a region of the ASAH1 protein in which other variant(s) (p.Trp395Cys) have been observed in individuals with ASAH1-related conditions (PMID: 32449975). This suggests that this is a clinically significant region of the protein, and that variants that disrupt it are likely to be disease-causing. In summary, the available evidence is currently insufficient to determine the role of this variant in disease. Therefore, it has been classified as a Variant of Uncertain Significance.

Literature cited by the submitters: PubMed 32449975.